The following is an entry in ClinVar:

NM_030665.4(RAI1):c.101G>A (p.Ser34Asn)

Gene: RAI1 (retinoic acid induced 1; plus strand). Cytogenetic location: 17p11.2.
Variant type: single nucleotide variant.
Coding change: c.101G>A on transcript NM_030665.4 (MANE Select); coding-DNA position 101, G replaced by A.
Protein change: p.Ser34Asn; replaces serine 34 with asparagine.
Molecular consequence: missense variant.
Genome position (GRCh38, 1-based): chr17:17,793,049, G>A. VCF-style: chr17-17793049-G-A. GRCh37 (hg19) VCF-style: chr17-17696363-G-A.
Other names: short protein forms S34N.
Identifiers: ClinVar variation 1647260 (VCV001647260.35), dbSNP rs767047134, ClinGen allele CA8418041.

ClinVar aggregate classification (germline): Conflicting classifications of pathogenicity. Review status: criteria provided, conflicting classifications (1 of 4 stars). 4 submissions from 4 submitters: Uncertain significance (1); Benign (1); Likely benign (1). 1 of the submissions does not count toward it. Last evaluated 2025-12-13.

Conditions:
RAI1-related disorder. Also called: RAI1-related condition.
Inborn genetic diseases. Identifiers: MedGen C0950123, MeSH D030342.

Allele frequency attached by ClinVar (database versions not stated): ExAC 0.00004; gnomAD 0.00004; gnomAD exomes 0.00008 and 0.00009; TOPMed 0.00008.
gnomAD v4.1: 146 of 1,614,066 alleles (0.009%); highest among the groups gnomAD compares: Non-Finnish European, 0.011%; no homozygotes.

Submissions (4):

Labcorp Genetics (formerly Invitae), Labcorp
Classification: Benign. Last evaluated: 2025-12-13. Review status: criteria provided, single submitter. Criteria: Invitae Variant Classification Sherloc (09022015). Collection method: clinical testing. Allele origin: germline.

CeGaT Center for Human Genetics Tuebingen
Classification: Likely benign. Last evaluated: 2023-03-01. Review status: criteria provided, single submitter. Criteria: CeGaT Center For Human Genetics Tuebingen Variant Classification Criteria Version 2. Collection method: clinical testing. Allele origin: germline. Affected: yes. Observed: 1 variant allele.
Comment: RAI1: BP4, BS1

Ambry Genetics
Classification: Uncertain significance for Inborn genetic diseases. Last evaluated: 2017-06-23. Review status: criteria provided, single submitter. Criteria: Ambry Variant Classification Scheme 2023. Collection method: clinical testing. Allele origin: germline.
Comment: The p.S34N variant (also known as c.101G>A), located in coding exon 1 of the RAI1 gene, results from a G to A substitution at nucleotide position 101. The serine at codon 34 is replaced by asparagine, an amino acid with highly similar properties. This amino acid position is not well conserved in available vertebrate species. In addition, this alteration is predicted to be tolerated by in silico analysis. Since supporting evidence is limited at this time, the clinical significance of this alteration remains unclear.

PreventionGenetics, part of Exact Sciences
Classification: Likely benign for RAI1-related condition. Last evaluated: 2021-12-28. Review status: no assertion criteria provided. Collection method: clinical testing. Allele origin: germline. Not counted in ClinVar's aggregate classification.
Comment: This variant is classified as likely benign based on ACMG/AMP sequence variant interpretation guidelines (Richards et al. 2015 PMID: 25741868, with internal and published modifications).